The following is an entry in ClinVar:

ClinVar aggregate classification (germline): Likely benign. Review status: criteria provided, single submitter (1 of 4 stars). 2 submissions from 2 submitters: Likely benign (1). 1 of the submissions does not count toward it. Last evaluated 2024-11-08.

Conditions:
MBOAT7-related disorder. Also called: MBOAT7-related condition.

Allele frequency attached by ClinVar (database versions not stated): gnomAD 0.00011; ExAC 0.00015; 1000 Genomes Project 30x 0.00016; TOPMed 0.00016; 1000 Genomes Project 0.00020.
gnomAD v4.1: 191 of 1,573,264 alleles (0.012%); highest among the groups gnomAD compares: Admixed American, 0.027%; no homozygotes.

Submissions (2):

Blueprint Genetics
Classification: Likely benign. Last evaluated: 2024-11-08. Review status: criteria provided, single submitter. Criteria: ACMG Guidelines, 2015. Collection method: clinical testing. Allele origin: germline.

PreventionGenetics, part of Exact Sciences
Classification: Likely benign for MBOAT7-related condition. Last evaluated: 2019-07-10. Review status: no assertion criteria provided. Collection method: clinical testing. Allele origin: germline. Not counted in ClinVar's aggregate classification.
Comment: This variant is classified as likely benign based on ACMG/AMP sequence variant interpretation guidelines (Richards et al. 2015 PMID: 25741868, with internal and published modifications).

NM_024298.5(MBOAT7):c.795C>T (p.Pro265=)

Gene: MBOAT7 (membrane bound acylglycerophosphatidylinositol O-acyltransferase MBOAT7; minus strand). Cytogenetic location: 19q13.42.
Variant type: single nucleotide variant.
Coding change: c.795C>T on transcript NM_024298.5 (MANE Select); coding-DNA position 795, C replaced by T.
Protein change: p.Pro265=; no amino-acid change (proline 265 retained).
Molecular consequence: synonymous variant.
Genome position (GRCh38, 1-based): chr19:54,180,832, G>A on the plus strand (C>T on the coding strand, the complement: MBOAT7 is on the minus strand). VCF-style: chr19-54180832-G-A. GRCh37 (hg19) VCF-style: chr19-54684549-G-A.
Other names: c.576C>T, p.Pro192= (NM_001146056.3, NM_001146083.3); c.795C>T, p.Pro265= (NM_001146082.3).
Identifiers: ClinVar variation 3050830 (VCV003050830.3), dbSNP rs554078016, ClinGen allele CA309346597.